The following is an entry in ClinVar:

NM_030962.4(SBF2):c.4669A>T (p.Asn1557Tyr)

Genes: SBF2-AS1 (SBF2 antisense RNA 1; plus strand), SBF2 (SET binding factor 2; minus strand), LOC105369149 (uncharacterized LOC105369149; plus strand). Cytogenetic location: 11p15.4.
Variant type: single nucleotide variant.
Coding change: c.4669A>T on transcript NM_030962.4 (MANE Select); coding-DNA position 4669, A replaced by T.
Protein change: p.Asn1557Tyr; replaces asparagine 1557 with tyrosine.
Molecular consequence: missense variant.
Genome position (GRCh38, 1-based): chr11:9,790,585, T>A on the plus strand (A>T on the coding strand, the complement: SBF2 is on the minus strand). VCF-style: chr11-9790585-T-A. GRCh37 (hg19) VCF-style: chr11-9812132-T-A.
Other names: c.4765A>T, p.Asn1589Tyr (NM_001386339.1); c.4540A>T, p.Asn1514Tyr (NM_001386342.1); c.4705A>T, p.Asn1569Tyr (NM_001424318.1, NM_001425070.1); c.4564A>T, p.Asn1522Tyr (NM_001425069.1); short protein forms N1514Y, N1522Y, N1557Y, N1569Y, N1589Y.
Identifiers: ClinVar variation 3896984 (VCV003896984.1).

ClinVar aggregate classification (germline): Uncertain significance (1 of 4 stars; one submission).

Conditions:
Charcot-Marie-Tooth disease type 4B2. Also called: Charcot-Marie-Tooth Neuropathy Type 4B2; CMT 4B2; CHARCOT-MARIE-TOOTH DISEASE, DEMYELINATING, TYPE 4B2; CHARCOT-MARIE-TOOTH DISEASE, WITH FOCALLY FOLDED MYELIN SHEATHS, AUTOSOMAL RECESSIVE, TYPE 4B2. Identifiers: Orphanet 99956, MedGen C1858278, MONDO:0011475, OMIM 604563.

Submission:

Kariminejad - Najmabadi Pathology & Genetics Center
Classification: Uncertain significance for Charcot-Marie-Tooth disease type 4B2. Last evaluated: 2023-07-31. Review status: criteria provided, single submitter. Criteria: ACMG Guidelines, 2015. Collection method: clinical testing. Allele origin: germline. Inheritance: Autosomal recessive inheritance. Affected: yes.
Comment: PM2-PP3